The following is an entry in ClinVar:

NM_004370.6(COL12A1):c.1152T>C (p.Pro384=)

Gene: COL12A1 (collagen type XII alpha 1 chain; minus strand). Cytogenetic location: 6q13.
Variant type: single nucleotide variant.
Coding change: c.1152T>C on transcript NM_004370.6 (MANE Select); coding-DNA position 1152, T replaced by C.
Protein change: p.Pro384=; no amino-acid change (proline 384 retained).
Molecular consequence: synonymous variant. On other transcripts: intron variant (1).
Genome position (GRCh38, 1-based): chr6:75,183,990, A>G on the plus strand (T>C on the coding strand, the complement: COL12A1 is on the minus strand). VCF-style: chr6-75183990-A-G. GRCh37 (hg19) VCF-style: chr6-75893706-A-G.
Other names: p.Pro384=; c.73+18730T>C (NM_080645.3).
Identifiers: ClinVar variation 475841 (VCV000475841.38), dbSNP rs200496785, ClinGen allele CA3894256.

ClinVar aggregate classification (germline): Likely benign. Review status: criteria provided, multiple submitters, no conflicts (2 of 4 stars). 7 submissions from 7 submitters: Likely benign (7). Last evaluated 2026-06-22.

Conditions:
COL12A1-related disorder. Also called: COL12A1-related condition.
Bethlem myopathy 2 (BTHLM2). Identifiers: Orphanet 536516, Orphanet 610, MedGen C4225313, MONDO:0034022, OMIM 616471.
Ullrich congenital muscular dystrophy 2 (UCMD2). Identifiers: Orphanet 75840, MedGen C4225314, MONDO:0014654, OMIM 616470.

Allele frequency attached by ClinVar (database versions not stated): 1000 Genomes Project 30x 0.00016; 1000 Genomes Project 0.00020; ExAC 0.00028; ESP Exome Variant Server 0.00032; gnomAD exomes 0.00032 and 0.00057; gnomAD 0.00036 and 0.00039; TOPMed 0.00052.
gnomAD v4.1: 877 of 1,614,160 alleles (0.054%); highest among the groups gnomAD compares: Non-Finnish European, 0.068%; 1 homozygote.

Submissions (7):

PreventionGenetics, part of Exact Sciences
Classification: Likely benign for COL12A1-related condition. Last evaluated: 2026-06-22. Review status: criteria provided, single submitter. Criteria: ACMG Guidelines, 2015. Collection method: clinical testing. Allele origin: germline.
Comment: This variant is classified as likely benign based on ACMG/AMP sequence variant interpretation guidelines (Richards et al. 2015 PMID: 25741868, with internal and published modifications).

Labcorp Genetics (formerly Invitae), Labcorp
Classification: Likely benign for Bethlem myopathy 2; Ullrich congenital muscular dystrophy 2. Last evaluated: 2025-12-01. Review status: criteria provided, single submitter. Criteria: Invitae Variant Classification Sherloc (09022015). Collection method: clinical testing. Allele origin: germline.

Women's Health and Genetics/Laboratory Corporation of America, LabCorp
Classification: Likely benign. Last evaluated: 2025-07-09. Review status: criteria provided, single submitter. Criteria: LabCorp Variant Classification Summary - May 2015. Collection method: clinical testing. Allele origin: germline.

Mayo Clinic Laboratories, Mayo Clinic
Classification: Likely benign. Last evaluated: 2025-06-13. Review status: criteria provided, single submitter. Criteria: ACMG Guidelines, 2015. Collection method: clinical testing. Allele origin: germline. Observed: 4 variant alleles.
Comment: BP4, BP7

CeGaT Center for Human Genetics Tuebingen
Classification: Likely benign. Last evaluated: 2025-06-01. Review status: criteria provided, single submitter. Criteria: CeGaT Center For Human Genetics Tuebingen Variant Classification Criteria Version 2. Collection method: clinical testing. Allele origin: germline. Affected: yes. Observed: 5 variant alleles.
Comment: COL12A1: BP4, BP7

Blueprint Genetics
Classification: Likely benign. Last evaluated: 2024-10-31. Review status: criteria provided, single submitter. Criteria: ACMG Guidelines, 2015. Collection method: clinical testing. Allele origin: germline.

GeneDx
Classification: Likely benign. Last evaluated: 2020-10-16. Review status: criteria provided, single submitter. Criteria: GeneDx Variant Classification Process June 2021. Collection method: clinical testing. Allele origin: germline. Affected: yes.